The following is an entry in ClinVar:

ClinVar aggregate classification (germline): Uncertain significance (1 of 4 stars; one submission).

Conditions:
Xeroderma pigmentosum, group F (XPF). Also called: ERCC4-Related Xeroderma Pigmentosum; XERODERMA PIGMENTOSUM, TYPE F; Xeroderma pigmentosum, type 6; XERODERMA PIGMENTOSUM VI; XP, GROUP F; XERODERMA PIGMENTOSUM, COMPLEMENTATION GROUP F. Identifiers: MedGen C0268140, MONDO:0010215, OMIM 278760.
Fanconi anemia complementation group Q. Identifiers: Orphanet 84, MedGen C3808988, MONDO:0014108, OMIM 615272.
Cockayne syndrome. Identifiers: Orphanet 191, MedGen C0009207, MONDO:0016006.

Allele frequency attached by ClinVar (database versions not stated): gnomAD exomes below 0.00001 and 0.00001; ExAC 0.00002.
gnomAD v4.1: 3 of 1,613,996 alleles (0.00019%); highest among the groups gnomAD compares: Non-Finnish European, 0.00017%; no homozygotes.

Submission:

Labcorp Genetics (formerly Invitae), Labcorp
Classification: Uncertain significance for Fanconi anemia complementation group Q; Xeroderma pigmentosum, group F; Cockayne syndrome. Last evaluated: 2020-03-10. Review status: criteria provided, single submitter. Criteria: Invitae Variant Classification Sherloc (09022015). Collection method: clinical testing. Allele origin: germline.
Comment: In summary, the available evidence is currently insufficient to determine the role of this variant in disease. Therefore, it has been classified as a Variant of Uncertain Significance. Algorithms developed to predict the effect of missense changes on protein structure and function (SIFT, PolyPhen-2, Align-GVGD) all suggest that this variant is likely to be tolerated, but these predictions have not been confirmed by published functional studies and their clinical significance is uncertain. This variant has not been reported in the literature in individuals with ERCC4-related conditions. This variant is present in population databases (rs753506602, ExAC 0.003%). This sequence change replaces glycine with serine at codon 659 of the ERCC4 protein (p.Gly659Ser). The glycine residue is weakly conserved and there is a small physicochemical difference between glycine and serine.

NM_005236.3(ERCC4):c.1975G>A (p.Gly659Ser)

Gene: ERCC4 (ERCC excision repair 4, endonuclease catalytic subunit; plus strand). Cytogenetic location: 16p13.12.
Variant type: single nucleotide variant.
Coding change: c.1975G>A on transcript NM_005236.3 (MANE Select); coding-DNA position 1975, G replaced by A.
Protein change: p.Gly659Ser; replaces glycine 659 with serine.
Molecular consequence: missense variant.
Genome position (GRCh38, 1-based): chr16:13,944,793, G>A. VCF-style: chr16-13944793-G-A. GRCh37 (hg19) VCF-style: chr16-14038650-G-A.
Other names: short protein forms G659S.
Identifiers: ClinVar variation 1034994 (VCV001034994.8), dbSNP rs753506602, ClinGen allele CA7910624.